The following is an entry in ClinVar:

ClinVar aggregate classification (germline): Uncertain significance. Review status: criteria provided, single submitter (1 of 4 stars). 2 submissions from 2 submitters: Uncertain significance (1). 1 of the submissions does not count toward it. Last evaluated 2024-12-11.

Conditions:
Hypertrophic cardiomyopathy. Also called: HYPERTROPHIC MYOCARDIOPATHY. Identifiers: Orphanet 217569, MedGen C0007194, MeSH D002312, MONDO:0005045, HP:0001639.

Submissions (2):

Labcorp Genetics (formerly Invitae), Labcorp
Classification: Uncertain significance for Hypertrophic cardiomyopathy. Last evaluated: 2024-12-11. Review status: criteria provided, single submitter. Criteria: Invitae Variant Classification Sherloc (09022015). Collection method: clinical testing. Allele origin: germline.
Comment: This variant, c.1814_1816del, results in the deletion of 1 amino acid(s) of the MYBPC3 protein (p.Asp605del), but otherwise preserves the integrity of the reading frame. This variant is not present in population databases (gnomAD no frequency). This variant has been observed in individual(s) with hypertrophic cardiomyopathy (PMID: 18403758; internal data). Experimental studies and prediction algorithms are not available or were not evaluated, and the functional significance of this variant is currently unknown. In summary, the available evidence is currently insufficient to determine the role of this variant in disease. Therefore, it has been classified as a Variant of Uncertain Significance.

Laboratory for Molecular Medicine, Mass General Brigham Personalized Medicine
Classification: Uncertain significance. Last evaluated: 2014-05-16. Review status: no assertion criteria provided. Collection method: clinical testing. Allele origin: germline. Observed: 7 variant alleles. Not counted in ClinVar's aggregate classification.
Comment: proposed classification - variant undergoing re-assessment, contact laboratory

Literature cited by the submitters: PubMed 18403758 (cited by Labcorp Genetics (formerly Invitae), Labcorp and Laboratory for Molecular Medicine, Mass General Brigham Personalized Medicine).

NM_000256.3(MYBPC3):c.1811ACG[1] (p.Asp605del)

Gene: MYBPC3 (myosin binding protein C3; minus strand). Cytogenetic location: 11p11.2.
Variant type: Microsatellite.
Coding change: c.1811ACG[1] on transcript NM_000256.3 (MANE Select); one copy of the 3-base unit ACG starting at c.1811; the reference has two copies in a row; one copy, 3 bases deleted.
Protein change: p.Asp605del; deletes aspartic acid 605.
Molecular consequence: inframe deletion.
Genome position (GRCh38, 1-based): chr11:47,341,219-47,341,221, CGT deleted on the plus strand (ACG on the coding strand, the reverse complement: MYBPC3 is on the minus strand); deleting any 3 consecutive bases within chr11:47,341,219-47,341,225 gives the same sequence; the position shown is the placement nearest the transcript's 3' end. VCF-style (leftmost placement, unchanged base first): chr11-47341218-ACGT-A. GRCh37 (hg19) VCF-style: chr11-47362769-ACGT-A.
Other names: c.1814_1816delACG (NM_000256.3); short protein forms D605del.
Identifiers: ClinVar variation 42574 (VCV000042574.6), dbSNP rs397515930, ClinGen allele CA011234.
Genomic context (GRCh38, chr11:47,341,218, plus strand): 5'-GACAGGTTGCAGGCGAAGCCCTCGGGCACAAAGCTGTAGTCAGCCTCGTCGGCAGGTGTG[ACGT>A]CGTCAATGGTCAGTTTGTGGACCCTGCAGGGGAGCAGTGGCTCAGGGGACCCCACTGGGC-3'